The following is an entry in ClinVar:

NM_001366145.2(TRPM3):c.2176C>A (p.Gln726Lys)

Gene: TRPM3 (transient receptor potential cation channel subfamily M member 3; minus strand). Cytogenetic location: 9q21.12.
Variant type: single nucleotide variant.
Coding change: c.2176C>A on transcript NM_001366145.2 (MANE Select); coding-DNA position 2176, C replaced by A.
Protein change: p.Gln726Lys; replaces glutamine 726 with lysine.
Molecular consequence: missense variant.
Genome position (GRCh38, 1-based): chr9:70,619,049, G>T on the plus strand (C>A on the coding strand, the complement: TRPM3 is on the minus strand). VCF-style: chr9-70619049-G-T. GRCh37 (hg19) VCF-style: chr9-73233965-G-T.
Other names: c.2140C>A, p.Gln714Lys (NM_001007471.4, NM_001366151.2); c.2146C>A, p.Gln716Lys (NM_001366141.2, NM_001366143.2, NM_001366149.2); c.2182C>A, p.Gln728Lys (NM_001366142.2); c.2176C>A, p.Gln726Lys (NM_001366146.2); c.2251C>A, p.Gln751Lys (NM_001366147.2, NM_001366152.2); c.2221C>A, p.Gln741Lys (NM_001366148.2); c.2110C>A, p.Gln704Lys (NM_001366150.2); c.1717C>A, p.Gln573Lys (NM_001366154.2, NM_024971.7); and 5 more; short protein forms Q551K, Q561K, Q563K, Q573K, Q576K, Q586K, Q704K, Q714K.
Identifiers: ClinVar variation 2662668 (VCV002662668.1), dbSNP rs2063209589, ClinGen allele CA373558442.

ClinVar aggregate classification (germline): Uncertain significance (1 of 4 stars; one submission).

Submission:

GeneDx
Classification: Uncertain significance. Last evaluated: 2023-04-21. Review status: criteria provided, single submitter. Criteria: GeneDx Variant Classification Process June 2021. Collection method: clinical testing. Allele origin: germline. Affected: yes.
Comment: Not observed at significant frequency in large population cohorts (gnomAD); In silico analysis supports that this missense variant has a deleterious effect on protein structure/function; Has not been previously published as pathogenic or benign to our knowledge